The following is an entry in ClinVar:

NM_024422.6(DSC2):c.1444G>A (p.Glu482Lys)

Gene: DSC2 (desmocollin 2; minus strand). Cytogenetic location: 18q12.1.
Variant type: single nucleotide variant.
Coding change: c.1444G>A on transcript NM_024422.6 (MANE Select); coding-DNA position 1444, G replaced by A.
Protein change: p.Glu482Lys; replaces glutamic acid 482 with lysine.
Molecular consequence: missense variant.
Genome position (GRCh38, 1-based): chr18:31,080,172, C>T on the plus strand (G>A on the coding strand, the complement: DSC2 is on the minus strand). VCF-style: chr18-31080172-C-T. GRCh37 (hg19) VCF-style: chr18-28660138-C-T.
Other names: c.1444G>A, p.Glu482Lys (NM_004949.5); short protein forms E482K.
Identifiers: ClinVar variation 928289 (VCV000928289.4), dbSNP rs1987164342, ClinGen allele CA402108491.

ClinVar aggregate classification (germline): Uncertain significance (1 of 4 stars; one submission).

Conditions:
Cardiomyopathy (CMYO). Also called: Cardiomyopathies. Identifiers: Orphanet 167848, MedGen C0878544, MONDO:0004994, HP:0001638. Inheritance: Various modes of inheritance.

Allele frequency attached by ClinVar (database versions not stated): gnomAD exomes below 0.00001.

Submission:

Color Diagnostics, LLC DBA Color Health
Classification: Uncertain significance for Cardiomyopathy. Last evaluated: 2024-03-06. Review status: criteria provided, single submitter. Criteria: ACMG Guidelines, 2015. Collection method: clinical testing. Allele origin: germline.
Comment: This missense variant replaces glutamic acid with lysine at codon 482 of the DSC2 protein. Computational prediction tool is inconclusive regarding the impact of this variant on protein structure and function (internally defined REVEL score threshold 0.5 < inconclusive < 0.7, PMID: 27666373). Splice site prediction tools suggest that this variant may not impact RNA splicing. To our knowledge, functional studies have not been performed for this variant. This variant has not been reported in individuals affected with cardiovascular disorders in the literature. This variant has not been identified in the general population by the Genome Aggregation Database (gnomAD). The available evidence is insufficient to determine the role of this variant in disease conclusively. Therefore, this variant is classified as a Variant of Uncertain Significance.